The following is an entry in ClinVar:

ClinVar aggregate classification (germline): Conflicting classifications of pathogenicity. Review status: criteria provided, conflicting classifications (1 of 4 stars). 2 submissions from 2 submitters: Uncertain significance (1); Likely benign (1). Last evaluated 2025-03-07.

Conditions:
Epidermolysis bullosa simplex 3, localized or generalized intermediate, with BP230 deficiency (EBS3). Also called: Epidermolysis bullosa simplex, autosomal recessive 2; Epidermolysis bullosa simplex due to BP230 deficiency. Identifiers: Orphanet 412181, MedGen C3809470, MONDO:0014180, OMIM 615425.
Hereditary sensory and autonomic neuropathy type 6. Also called: HSAN VI; Neuropathy, hereditary sensory and autonomic, type VI. Identifiers: Orphanet 314381, MedGen C3539003, MONDO:0013839, OMIM 614653.
DST-related disorder. Also called: DST-related condition; DST-related disorders.

Allele frequency attached by ClinVar (database versions not stated): gnomAD 0.00001; TOPMed 0.00002; gnomAD exomes 0.00004.
gnomAD v4.1: 31 of 1,542,272 alleles (0.002%); highest among the groups gnomAD compares: Non-Finnish European, 0.0026%; no homozygotes.

Submissions (2):

PreventionGenetics, part of Exact Sciences
Classification: Likely benign for DST-related condition. Last evaluated: 2025-03-07. Review status: criteria provided, single submitter. Criteria: ACMG Guidelines, 2015. Collection method: clinical testing. Allele origin: germline.
Comment: This variant is classified as likely benign based on ACMG/AMP sequence variant interpretation guidelines (Richards et al. 2015 PMID: 25741868, with internal and published modifications).

Labcorp Genetics (formerly Invitae), Labcorp
Classification: Uncertain significance for Epidermolysis bullosa simplex 3, localized or generalized intermediate, with BP230 deficiency; Hereditary sensory and autonomic neuropathy type 6. Last evaluated: 2022-06-10. Review status: criteria provided, single submitter. Criteria: Invitae Variant Classification Sherloc (09022015). Collection method: clinical testing. Allele origin: germline.
Comment: The DST gene has multiple clinically relevant transcripts. This variant occurs in alternate transcript NM_015548.4, and corresponds to NM_001723.5:c.*128241T>C in the primary transcript. This sequence change falls in intron 67 of the DST gene. It does not directly change the encoded amino acid sequence of the DST protein. It affects a nucleotide within the consensus splice site. This variant is not present in population databases (gnomAD no frequency). This variant has not been reported in the literature in individuals affected with DST-related conditions. Variants that disrupt the consensus splice site are a relatively common cause of aberrant splicing (PMID: 17576681, 9536098). Algorithms developed to predict the effect of sequence changes on RNA splicing suggest that this variant is not likely to affect RNA splicing. In summary, the available evidence is currently insufficient to determine the role of this variant in disease. Therefore, it has been classified as a Variant of Uncertain Significance.

Literature cited by the submitters: PubMed 17576681 (cited by Labcorp Genetics (formerly Invitae), Labcorp); PubMed 9536098 (cited by Labcorp Genetics (formerly Invitae), Labcorp).

NM_001374736.1(DST):c.20878-3T>C

Gene: DST (dystonin; minus strand). Cytogenetic location: 6p12.1.
Variant type: single nucleotide variant.
Coding change: c.20878-3T>C on transcript NM_001374736.1 (MANE Select); 3 bases into the intron before coding-DNA position 20878, T replaced by C.
Molecular consequence: intron variant.
Genome position (GRCh38, 1-based): chr6:56,487,276, A>G on the plus strand (T>C on the coding strand, the complement: DST is on the minus strand). VCF-style: chr6-56487276-A-G. GRCh37 (hg19) VCF-style: chr6-56352074-A-G.
Other names: c.14521-3T>C (NM_001144769.2, NM_001144769.5); c.20878-3T>C (NM_001374722.1); c.20905-3T>C (NM_001374734.1); c.14107-3T>C (NM_001144770.2); c.13660-3T>C (NM_001374730.1); c.13987-3T>C (NM_183380.4); c.19918-3T>C (NM_001374729.1); c.13009-3T>C (NM_015548.5).
Identifiers: ClinVar variation 970195 (VCV000970195.8), dbSNP rs961527038, ClinGen allele CA139182901.